The following is an entry in ClinVar:

NM_178821.3(DAW1):c.733G>A (p.Val245Met)

Gene: DAW1 (dynein assembly factor with WD repeats 1; plus strand). Cytogenetic location: 2q36.3.
Variant type: single nucleotide variant.
Coding change: c.733G>A on transcript NM_178821.3 (MANE Select); coding-DNA position 733, G replaced by A.
Protein change: p.Val245Met; replaces valine 245 with methionine.
Molecular consequence: missense variant. On other transcripts: non-coding transcript variant (1).
Genome position (GRCh38, 1-based): chr2:227,905,013, G>A. VCF-style: chr2-227905013-G-A. GRCh37 (hg19) VCF-style: chr2-228769729-G-A.
Other names: c.688G>A, p.Val230Met (NM_001330004.2); c.733G>A (NM_178821.2); short protein forms V230M, V245M.
Identifiers: ClinVar variation 3080120 (VCV003080120.2), dbSNP rs139057280, ClinGen allele CA2149821.
Genomic context (GRCh38, chr2:227,905,013, plus strand): 5'-TTGTCATTTAACACCTCAGGAGACAGAATCATCACGGGGTCTTTTGATCATACCGTTGTA[G>A]TGTGGGACGCTGATACTGGAAGGTAATTCTTAGTTCTTAAGAATTGTTTTAACCTGGATC-3'
Protein context (NP_849143.1, residues 235-255): ITGSFDHTVV[Val245Met]WDADTGRKVN

ClinVar aggregate classification (germline): Uncertain significance. Review status: criteria provided, single submitter (1 of 4 stars). 2 submissions from 2 submitters: Uncertain significance (1). 1 of the submissions does not count toward it. Last evaluated 2023-11-21.

Conditions:
DAW1-related disorder. Also called: DAW1-related condition.

Allele frequency attached by ClinVar (database versions not stated): gnomAD exomes 0.00003; ExAC 0.00007; TOPMed 0.00020; gnomAD 0.00023; ESP Exome Variant Server 0.00031.
gnomAD v4.1: 73 of 1,613,332 alleles (0.0045%); highest among the groups gnomAD compares: African/African-American, 0.056%; no homozygotes.

Submissions (2):

Ambry Genetics
Classification: Uncertain significance. Last evaluated: 2023-11-21. Review status: criteria provided, single submitter. Criteria: Ambry Variant Classification Scheme 2023. Collection method: clinical testing. Allele origin: germline.

PreventionGenetics, part of Exact Sciences
Classification: Uncertain significance for DAW1-related condition. Last evaluated: 2024-07-29. Review status: no assertion criteria provided. Collection method: clinical testing. Allele origin: germline. Not counted in ClinVar's aggregate classification.
Comment: The DAW1 c.733G>A variant is predicted to result in the amino acid substitution p.Val245Met. To our knowledge, this variant has not been reported in the literature. This variant is reported in 0.056% of alleles in individuals of African descent in gnomAD. Although we suspect that this variant may be benign, at this time, the clinical significance of this variant is uncertain due to the absence of conclusive functional and genetic evidence.